The following is an entry in ClinVar:

ClinVar aggregate classification (germline): Uncertain significance (1 of 4 stars; one submission).

Conditions:
Inborn genetic diseases. Identifiers: MedGen C0950123, MeSH D030342.

gnomAD v4.1: 2 of 1,602,172 alleles (0.00012%); highest among the groups gnomAD compares: Non-Finnish European, 0.00017%; no homozygotes.

Submission:

Ambry Genetics
Classification: Uncertain significance for Inborn genetic diseases. Last evaluated: 2025-05-27. Review status: criteria provided, single submitter. Criteria: Ambry Variant Classification Scheme 2023. Collection method: clinical testing. Allele origin: germline.
Comment: The p.L138M variant (also known as c.412C>A), located in coding exon 4 of the ELANE gene, results from a C to A substitution at nucleotide position 412. The leucine at codon 138 is replaced by methionine, an amino acid with highly similar properties. This amino acid position is conserved. In addition, this alteration is predicted to be deleterious by in silico analysis. Based on the available evidence, the clinical significance of this variant remains unclear.

NM_001972.4(ELANE):c.412C>A (p.Leu138Met)

Gene: ELANE (elastase, neutrophil expressed; plus strand). Cytogenetic location: 19p13.3.
Variant type: single nucleotide variant.
Coding change: c.412C>A on transcript NM_001972.4 (MANE Select); coding-DNA position 412, C replaced by A.
Protein change: p.Leu138Met; replaces leucine 138 with methionine.
Molecular consequence: missense variant.
Genome position (GRCh38, 1-based): chr19:855,609, C>A. VCF-style: chr19-855609-C-A. GRCh37 (hg19) VCF-style: chr19-855609-C-A.
Other names: short protein forms L138M.
Identifiers: ClinVar variation 4017404 (VCV004017404.1).